The following is an entry in ClinVar:

ClinVar aggregate classification (germline): Uncertain significance (1 of 4 stars; one submission).

Submission:

Labcorp Genetics (formerly Invitae), Labcorp
Classification: Uncertain significance. Last evaluated: 2024-10-07. Review status: criteria provided, single submitter. Criteria: Invitae Variant Classification Sherloc (09022015). Collection method: clinical testing. Allele origin: germline.
Comment: This sequence change replaces lysine, which is basic and polar, with arginine, which is basic and polar, at codon 1039 of the DMXL2 protein (p.Lys1039Arg). This variant is not present in population databases (gnomAD no frequency). This variant has not been reported in the literature in individuals affected with DMXL2-related conditions. ClinVar contains an entry for this variant (Variation ID: 2041727). An algorithm developed to predict the effect of missense changes on protein structure and function (PolyPhen-2) suggests that this variant is likely to be tolerated. In summary, the available evidence is currently insufficient to determine the role of this variant in disease. Therefore, it has been classified as a Variant of Uncertain Significance.

NM_001378457.1(DMXL2):c.3116A>G (p.Lys1039Arg)

Gene: DMXL2 (Dmx like 2; minus strand). Cytogenetic location: 15q21.2.
Variant type: single nucleotide variant.
Coding change: c.3116A>G on transcript NM_001378457.1 (MANE Select); coding-DNA position 3116, A replaced by G.
Protein change: p.Lys1039Arg; replaces lysine 1039 with arginine.
Molecular consequence: missense variant. On other transcripts: non-coding transcript variant (2), intron variant (2).
Genome position (GRCh38, 1-based): chr15:51,500,108, T>C on the plus strand (A>G on the coding strand, the complement: DMXL2 is on the minus strand). VCF-style: chr15-51500108-T-C. GRCh37 (hg19) VCF-style: chr15-51792305-T-C.
Other names: c.3116A>G, p.Lys1039Arg (NM_001174116.3, NM_001378458.1, NM_001378459.1 and 4 more transcripts); c.2876A>G, p.Lys959Arg (NM_001378464.1); c.2764+7026A>G (NM_001378460.1); c.2765-4974A>G (NM_001174117.3); short protein forms K1039R, K959R.
Identifiers: ClinVar variation 2041727 (VCV002041727.4), dbSNP rs2548510266, ClinGen allele CA392437660.